The following is an entry in ClinVar:

NC_000007.14:g.(?_116699075)_(116796134_?)dup

Gene: MET (MET proto-oncogene, receptor tyrosine kinase; plus strand). Cytogenetic location: 7q31.2.
Variant type: Duplication.
Identifiers: ClinVar variation 832341 (VCV000832341.1).

ClinVar aggregate classification (germline): Uncertain significance (1 of 4 stars; one submission).

Conditions:
Papillary renal cell carcinoma type 1 (RCCP1). Also called: Renal adenocarcinoma; Renal cell carcinoma 1; Renal cell carcinoma, somatic; RENAL CELL CARCINOMA, PAPILLARY, 1, SOMATIC. Identifiers: Orphanet 47044, MedGen C1336839, OMIM 605074, HP:0011797.

Submission:

Labcorp Genetics (formerly Invitae), Labcorp
Classification: Uncertain significance for Renal cell carcinoma, papillary, 1. Last evaluated: 2019-04-28. Review status: criteria provided, single submitter. Criteria: Invitae Variant Classification Sherloc (09022015). Collection method: clinical testing. Allele origin: germline.
Comment: This variant results in a copy number gain of the genomic region encompassing the full coding sequence of the MET gene. The boundaries of this event are unknown as they extend beyond the assayed region for this gene and therefore may encompass additional genes. As the precise location of this event is unknown, it may be in tandem or it may be located elsewhere in the genome. This variant has not been reported in the literature in individuals with MET-related disease. In summary, the available evidence is currently insufficient to determine the role of this variant in disease. Therefore, it has been classified as a Variant of Uncertain Significance.